The following is an entry in ClinVar:

ClinVar aggregate classification (germline): Benign (1 of 4 stars; one submission).

Allele frequency attached by ClinVar (database versions not stated): TOPMed 0.00028; gnomAD 0.00037; gnomAD exomes 0.00048; 1000 Genomes Project 0.00060; 1000 Genomes Project 30x 0.00062.
gnomAD v4.1: 328 of 703,404 alleles (0.047%); highest among the groups gnomAD compares: Middle Eastern, 0.34%; 1 homozygote.

Submission:

CeGaT Center for Human Genetics Tuebingen
Classification: Benign. Last evaluated: 2022-03-01. Review status: criteria provided, single submitter. Criteria: CeGaT Center For Human Genetics Tuebingen Variant Classification Criteria Version 2. Collection method: clinical testing. Allele origin: germline. Affected: yes. Observed: 1 variant allele.
Comment: CACNA1H: BS1, BS2

NM_021098.3(CACNA1H):c.3363+129A>T

Gene: CACNA1H (calcium voltage-gated channel subunit alpha1 H; plus strand). Cytogenetic location: 16p13.3.
Variant type: single nucleotide variant.
Coding change: c.3363+129A>T on transcript NM_021098.3 (MANE Select); 129 bases into the intron after coding-DNA position 3363, A replaced by T.
Molecular consequence: intron variant.
Genome position (GRCh38, 1-based): chr16:1,208,350, A>T. VCF-style: chr16-1208350-A-T. GRCh37 (hg19) VCF-style: chr16-1258350-A-T.
Other names: c.3363+129A>T (NM_001005407.2).
Identifiers: ClinVar variation 2645878 (VCV002645878.24), dbSNP rs546299146, ClinGen allele CA276662180.